The following is an entry in ClinVar:

ClinVar aggregate classification (germline): Uncertain significance (1 of 4 stars; one submission).

Conditions:
Majeed syndrome (MJDS). Also called: LPIN2-Related Majeed Syndrome; CHRONIC RECURRENT MULTIFOCAL OSTEOMYELITIS 1, WITH CONGENITAL DYSERYTHROPOIETIC ANEMIA, WITH OR WITHOUT NEUTROPHILIC DERMATOSIS. Identifiers: Orphanet 77297, MedGen C1864997, MONDO:0012316, OMIM 609628.

gnomAD v4.1: 2 of 1,614,058 alleles (0.00012%); highest among the groups gnomAD compares: Non-Finnish European, 0.00017%; no homozygotes.

Submission:

Labcorp Genetics (formerly Invitae), Labcorp
Classification: Uncertain significance for Majeed syndrome. Last evaluated: 2025-07-06. Review status: criteria provided, single submitter. Criteria: Invitae Variant Classification Sherloc (09022015). Collection method: clinical testing. Allele origin: germline.
Comment: This sequence change creates a premature translational stop signal (p.Glu867*) in the LPIN2 gene. While this is not anticipated to result in nonsense mediated decay, it is expected to disrupt the last 30 amino acid(s) of the LPIN2 protein. This variant is not present in population databases (gnomAD no frequency). This variant has not been reported in the literature in individuals affected with LPIN2-related conditions. Experimental studies and prediction algorithms are not available or were not evaluated, and the functional significance of this variant is currently unknown. Algorithms developed to predict the effect of sequence changes on RNA splicing suggest that this variant may create or strengthen a splice site. In summary, the available evidence is currently insufficient to determine the role of this variant in disease. Therefore, it has been classified as a Variant of Uncertain Significance.

NM_001375808.2(LPIN2):c.2599G>T (p.Glu867Ter)

Gene: LPIN2 (lipin 2; minus strand). Cytogenetic location: 18p11.31.
Variant type: single nucleotide variant.
Coding change: c.2599G>T on transcript NM_001375808.2 (MANE Select); coding-DNA position 2599, G replaced by T.
Protein change: p.Glu867Ter; replaces glutamic acid 867 with a stop codon.
Molecular consequence: nonsense.
Genome position (GRCh38, 1-based): chr18:2,920,385, C>A on the plus strand (G>T on the coding strand, the complement: LPIN2 is on the minus strand). VCF-style: chr18-2920385-C-A. GRCh37 (hg19) VCF-style: chr18-2920383-C-A.
Other names: c.2599G>T, p.Glu867Ter (NM_001375809.1, NM_014646.2); short protein forms E867*.
Identifiers: ClinVar variation 4722779 (VCV004722779.1).